The following is an entry in ClinVar:

ClinVar aggregate classification (germline): Uncertain significance (1 of 4 stars; one submission).

Submission:

GeneDx
Classification: Uncertain significance. Last evaluated: 2024-07-12. Review status: criteria provided, single submitter. Criteria: GeneDx Variant Classification Process June 2021. Collection method: clinical testing. Allele origin: germline. Affected: yes.
Comment: Not observed at significant frequency in large population cohorts (gnomAD); In silico analysis supports that this missense variant has a deleterious effect on protein structure/function; Has not been previously published as pathogenic or benign to our knowledge

NM_170675.5(MEIS2):c.272T>C (p.Leu91Pro)

Gene: MEIS2 (Meis homeobox 2; minus strand). Cytogenetic location: 15q14.
Variant type: single nucleotide variant.
Coding change: c.272T>C on transcript NM_170675.5 (MANE Select); coding-DNA position 272, T replaced by C.
Protein change: p.Leu91Pro; replaces leucine 91 with proline.
Molecular consequence: missense variant. On other transcripts: non-coding transcript variant (1).
Genome position (GRCh38, 1-based): chr15:37,096,404, A>G on the plus strand (T>C on the coding strand, the complement: MEIS2 is on the minus strand). VCF-style: chr15-37096404-A-G. GRCh37 (hg19) VCF-style: chr15-37388605-A-G.
Other names: c.272T>C, p.Leu91Pro (NM_001220482.2, NM_170674.5, NM_170676.5 and 1 more transcripts); c.233T>C, p.Leu78Pro (NM_002399.4, NM_172315.3); c.8T>C, p.Leu3Pro (NM_172316.3); short protein forms L3P, L78P, L91P.
Identifiers: ClinVar variation 3572761 (VCV003572761.1).